The following is an entry in ClinVar:

NM_000038.6(APC):c.1824T>A (p.Ala608=)

Gene: APC (APC regulator of Wnt signaling pathway; plus strand). Cytogenetic location: 5q22.2.
Variant type: single nucleotide variant.
Coding change: c.1824T>A on transcript NM_000038.6 (MANE Select); coding-DNA position 1824, T replaced by A.
Protein change: p.Ala608=; no amino-acid change (alanine 608 retained).
Molecular consequence: synonymous variant.
Genome position (GRCh38, 1-based): chr5:112,835,031, T>A. VCF-style: chr5-112835031-T-A. GRCh37 (hg19) VCF-style: chr5-112170728-T-A.
Other names: c.1824T>A, p.Ala608= (NM_001127510.3, NM_001354895.2); c.1770T>A, p.Ala590= (NM_001127511.3); c.1878T>A, p.Ala626= (NM_001354896.2); c.1854T>A, p.Ala618= (NM_001354897.2); c.1749T>A, p.Ala583= (NM_001354898.2); c.1740T>A, p.Ala580= (NM_001354899.2); c.1701T>A, p.Ala567= (NM_001354900.2); c.1647T>A, p.Ala549= (NM_001354901.2); and 5 more.
Identifiers: ClinVar variation 573682 (VCV000573682.17), dbSNP rs1455415709, ClinGen allele CA445758859.

ClinVar aggregate classification (germline): Benign/Likely benign. Review status: criteria provided, multiple submitters, no conflicts (2 of 4 stars). 5 submissions from 5 submitters: Benign (1); Likely benign (4). Last evaluated 2024-07-01.

Conditions:
Familial adenomatous polyposis 1 (FAP1). Also called: POLYPOSIS, ADENOMATOUS INTESTINAL; FAMILIAL ADENOMATOUS POLYPOSIS 1, ATTENUATED. Identifiers: MedGen C2713442, MONDO:0021056, OMIM 175100. Disease mechanism: loss of function.
Classic or attenuated familial adenomatous polyposis. Identifiers: MedGen CN372698, MONDO:0021057.
Hereditary cancer-predisposing syndrome. Also called: Neoplastic Syndromes, Hereditary; Hereditary Cancer Syndrome; Tumor predisposition; Hereditary neoplastic syndrome. Identifiers: Orphanet 140162, MedGen C0027672, MeSH D009386, MONDO:0015356.

Allele frequency attached by ClinVar (database versions not stated): gnomAD exomes below 0.00001; gnomAD 0.00001; TOPMed 0.00001.
gnomAD v4.1: 3 of 1,614,052 alleles (0.00019%); highest among the groups gnomAD compares: Admixed American, 0.0017%; no homozygotes.

Submissions (5):

Labcorp Genetics (formerly Invitae), Labcorp
Classification: Likely benign for Familial adenomatous polyposis 1. Last evaluated: 2024-07-01. Review status: criteria provided, single submitter. Criteria: Invitae Variant Classification Sherloc (09022015). Collection method: clinical testing. Allele origin: germline.

Myriad Genetics, Inc.
Classification: Benign for Familial adenomatous polyposis 1. Last evaluated: 2024-03-07. Review status: criteria provided, single submitter. Criteria: Myriad Autosomal Dominant, Autosomal Recessive and X-Linked Classification Criteria (2023). Collection method: clinical testing. Allele origin: unknown.
Comment: This variant is considered benign. This variant is a silent/synonymous amino acid change and it is not expected to impact splicing.

All of Us Research Program, National Institutes of Health
Classification: Likely benign for Classic or attenuated familial adenomatous polyposis. Last evaluated: 2023-04-28. Review status: criteria provided, single submitter. Criteria: ACMG Guidelines, 2015. Collection method: clinical testing. Allele origin: germline. Inheritance: Autosomal dominant inheritance. Observed: 1 variant allele, 1 heterozygote.
Comment: This study involves interpretation of variants in research participants for the purpose of population health screening. Participant phenotype was not available at the time of variant classification. Additional details can be found in publication PMID: 35346344, PMCID: PMC8962531

Ambry Genetics
Classification: Likely benign for Hereditary cancer-predisposing syndrome. Last evaluated: 2021-01-11. Review status: criteria provided, single submitter. Criteria: Ambry Variant Classification Scheme 2023. Collection method: clinical testing. Allele origin: germline.

Color Diagnostics, LLC DBA Color Health
Classification: Likely benign for Hereditary cancer-predisposing syndrome. Last evaluated: 2019-10-24. Review status: criteria provided, single submitter. Criteria: ACMG Guidelines, 2015. Collection method: clinical testing. Allele origin: germline.